The following is an entry in ClinVar:

NM_001035.3(RYR2):c.2003dup (p.Gln669fs)

Gene: RYR2 (ryanodine receptor 2; plus strand). Cytogenetic location: 1q43.
Variant type: Duplication.
Coding change: c.2003dup on transcript NM_001035.3 (MANE Select); coding-DNA position 2003, one base duplicated (C; older notation c.2003dupC).
Protein change: p.Gln669fs; shifts the reading frame from glutamine 669.
Molecular consequence: frameshift variant.
Genome position (GRCh38, 1-based): chr1:237,496,552, C duplicated. VCF-style (leftmost placement, unchanged base first): chr1-237496551-G-GC. GRCh37 (hg19) VCF-style: chr1-237659851-G-GC.
Other names: short protein forms Q669fs.
Identifiers: ClinVar variation 4158439 (VCV004158439.1).
Genomic context (GRCh38, chr1:237,496,551, plus strand): 5'-TGATTCCCGTCTCTTTAAAGCATGAGACCCAATATTTTTCTGGGCGTCAGTGAAGGTTCT[G>GC]CTCAGTATAAGAAATGGTACTATGAATTGATGGTGGACCACACAGAGCCCTTTGTGACAG-3'

ClinVar aggregate classification (germline): Uncertain significance (1 of 4 stars; one submission).

Conditions:
Cardiovascular phenotype. Identifiers: MedGen CN230736.

Submission:

Ambry Genetics
Classification: Uncertain significance for Cardiovascular phenotype. Last evaluated: 2025-08-06. Review status: criteria provided, single submitter. Criteria: Ambry Variant Classification Scheme 2023. Collection method: clinical testing. Allele origin: germline.
Comment: The c.2003dupC variant, located in coding exon 20 of the RYR2 gene, results from a duplication of C at nucleotide position 2003, causing a translational frameshift with a predicted alternate stop codon (p.Q669Sfs*3). This alteration is expected to result in protein truncation or nonsense-mediated mRNA decay. However, loss of function of RYR2 has not been established as a mechanism of disease. Based on the available evidence, the clinical significance of this alteration remains unclear.